The following is an entry in ClinVar:

ClinVar aggregate classification (germline): Uncertain significance (1 of 4 stars; one submission).

Conditions:
Ataxia-telangiectasia syndrome (AT). Also called: LOUIS-BAR SYNDROME; Cerebello-oculocutaneous telangiectasia; Immunodeficiency with ataxia telangiectasia; Ataxia-telangiectasia, complementation group D; AT, COMPLEMENTATION GROUP C; Ataxia-telangiectasia, complementation group E. Identifiers: Orphanet 100, MedGen C0004135, MONDO:0008840, OMIM 208900.

Submission:

Labcorp Genetics (formerly Invitae), Labcorp
Classification: Uncertain significance for Ataxia-telangiectasia syndrome. Last evaluated: 2016-09-08. Review status: criteria provided, single submitter. Criteria: Invitae Variant Classification Sherloc (09022015). Collection method: clinical testing. Allele origin: germline.
Comment: In summary, this variant is a novel missense change with uncertain impact on protein function. It has been classified as a Variant of Uncertain Significance. Algorithms developed to predict the effect of missense changes on protein structure and function (SIFT, PolyPhen-2, Align-GVGD) all suggest that this variant is likely to be disruptive, but these predictions have not been confirmed by published functional studies. This variant is not present in population databases (ExAC no frequency) and has not been reported in the literature in individuals with an ATM-related disease. This sequence change replaces asparagine with tyrosine at codon 2736 of the ATM protein (p.Asn2736Tyr). The asparagine residue is moderately conserved and there is a large physicochemical difference between asparagine and tyrosine.

NM_000051.4(ATM):c.8206A>T (p.Asn2736Tyr)

Genes: ATM (ATM serine/threonine kinase; plus strand), C11orf65 (chromosome 11 open reading frame 65; minus strand). Cytogenetic location: 11q22.3.
Variant type: single nucleotide variant.
Coding change: c.8206A>T on transcript NM_000051.4 (MANE Select); coding-DNA position 8206, A replaced by T.
Protein change: p.Asn2736Tyr; replaces asparagine 2736 with tyrosine.
Molecular consequence: missense variant. On other transcripts: intron variant (2).
Genome position (GRCh38, 1-based): chr11:108,335,899, A>T. VCF-style: chr11-108335899-A-T. GRCh37 (hg19) VCF-style: chr11-108206626-A-T.
Other names: c.8206A>T, p.Asn2736Tyr (NM_001351834.2); c.641-26828T>A (NM_001330368.2); c.695-607T>A (NM_001351110.2); short protein forms N2736Y.
Identifiers: ClinVar variation 407520 (VCV000407520.9), dbSNP rs1060501577, ClinGen allele CA16613214.